The following is an entry in ClinVar:

NM_012388.4(BLOC1S6):c.313-15T>G

Gene: BLOC1S6 (biogenesis of lysosomal organelles complex 1 subunit 6; plus strand). Cytogenetic location: 15q21.1.
Variant type: single nucleotide variant.
Coding change: c.313-15T>G on transcript NM_012388.4 (MANE Select); 15 bases into the intron before coding-DNA position 313, T replaced by G.
Molecular consequence: intron variant.
Genome position (GRCh38, 1-based): chr15:45,605,413, T>G. VCF-style: chr15-45605413-T-G. GRCh37 (hg19) VCF-style: chr15-45897611-T-G.
Other names: c.328-15T>G (NM_001311255.1); c.240-15T>G (NM_001311256.1).
Identifiers: ClinVar variation 3769479 (VCV003769479.2).

ClinVar aggregate classification (germline): Uncertain significance (1 of 4 stars; one submission).

gnomAD v4.1: 27 of 1,585,752 alleles (0.0017%); highest among the groups gnomAD compares: Non-Finnish European, 0.00035%; no homozygotes.

Submission:

Women's Health and Genetics/Laboratory Corporation of America, LabCorp
Classification: Uncertain significance. Last evaluated: 2025-01-22. Review status: criteria provided, single submitter. Criteria: LabCorp Variant Classification Summary - May 2015. Collection method: clinical testing. Allele origin: germline.
Comment: Variant summary: BLOC1S6 c.313-15T>G alters a non-conserved nucleotide located at a position not widely known to affect splicing. Several computational tools predict a significant impact on normal splicing: Four predict the variant creates a cryptic 3' acceptor site. However, these predictions have yet to be confirmed by functional studies. The variant allele was found at a frequency of 2.4e-05 in 248578 control chromosomes. The available data on variant occurrences in the general population are insufficient to allow any conclusion about variant significance. To our knowledge, no occurrence of c.313-15T>G in individuals affected with Hermansky-Pudlak Syndrome and no experimental evidence demonstrating its impact on protein function have been reported. No submitters have cited clinical-significance assessments for this variant to ClinVar. Based on the evidence outlined above, the variant was classified as uncertain significance.